The following is an entry in ClinVar:

ClinVar aggregate classification (germline): Uncertain significance (1 of 4 stars; one submission).

Conditions:
TMPO-related disorder. Also called: TMPO-related condition.

Submission:

PreventionGenetics, part of Exact Sciences
Classification: Uncertain significance for TMPO-related condition. Last evaluated: 2025-02-19. Review status: criteria provided, single submitter. Criteria: ACMG Guidelines, 2015. Collection method: clinical testing. Allele origin: germline.
Comment: The TMPO c.664A>C variant is predicted to result in the amino acid substitution p.Ile222Leu. To our knowledge, this variant has not been reported in the literature or in a large population database (gnomAD), indicating this variant is rare. At this time, the clinical significance of this variant is uncertain due to the absence of conclusive functional and genetic evidence.

NM_001032283.3(TMPO):c.565+1083A>C

Gene: TMPO (thymopoietin; plus strand). Cytogenetic location: 12q23.1.
Variant type: single nucleotide variant.
Coding change: c.565+1083A>C on transcript NM_001032283.3 (MANE Select); 1083 bases into the intron after coding-DNA position 565, A replaced by C.
Molecular consequence: intron variant. On other transcripts: missense variant (1).
Genome position (GRCh38, 1-based): chr12:98,532,921, A>C. VCF-style: chr12-98532921-A-C. GRCh37 (hg19) VCF-style: chr12-98926699-A-C.
Other names: c.664A>C, p.Ile222Leu (NM_003276.2); c.565+1083A>C (NM_001307975.2, NM_001032284.3); short protein forms I222L.
Identifiers: ClinVar variation 4999825 (VCV004999825.1).